The following is an entry in ClinVar:

ClinVar aggregate classification (germline): Uncertain significance. Review status: criteria provided, single submitter (1 of 4 stars). 2 submissions from 2 submitters: Uncertain significance (1). 1 of the submissions does not count toward it. Last evaluated 2021-08-27.

Conditions:
Bardet-Biedl syndrome (BBS). Identifiers: Orphanet 110, MedGen C0752166, MONDO:0015229.
BBS10-related disorder. Also called: BBS10-related condition.

Allele frequency attached by ClinVar (database versions not stated): gnomAD exomes below 0.00001 and 0.00001; TOPMed below 0.00001; gnomAD 0.00001.
gnomAD v4.1: 6 of 1,586,182 alleles (0.00038%); highest among the groups gnomAD compares: Non-Finnish European, 0.00051%; no homozygotes.

Submissions (2):

Labcorp Genetics (formerly Invitae), Labcorp
Classification: Uncertain significance for Bardet-Biedl syndrome. Last evaluated: 2021-08-27. Review status: criteria provided, single submitter. Criteria: Invitae Variant Classification Sherloc (09022015). Collection method: clinical testing. Allele origin: germline.
Comment: This sequence change replaces serine with arginine at codon 3 of the BBS10 protein (p.Ser3Arg). The serine residue is weakly conserved and there is a moderate physicochemical difference between serine and arginine. This variant is not present in population databases (ExAC no frequency). This variant has not been reported in the literature in individuals affected with BBS10-related conditions. Algorithms developed to predict the effect of missense changes on protein structure and function output the following: SIFT: "Tolerated"; PolyPhen-2: "Benign"; Align-GVGD: "Class C0". The arginine amino acid residue is found in multiple mammalian species, which suggests that this missense change does not adversely affect protein function. In summary, the available evidence is currently insufficient to determine the role of this variant in disease. Therefore, it has been classified as a Variant of Uncertain Significance.

PreventionGenetics, part of Exact Sciences
Classification: Uncertain significance for BBS10-related condition. Last evaluated: 2024-07-03. Review status: no assertion criteria provided. Collection method: clinical testing. Allele origin: germline. Not counted in ClinVar's aggregate classification.
Comment: The BBS10 c.7A>C variant is predicted to result in the amino acid substitution p.Ser3Arg. To our knowledge, this variant has not been reported in the literature. This variant is reported in 0.0012% of alleles in individuals of European (Non-Finnish) descent in gnomAD. At this time, the clinical significance of this variant is uncertain due to the absence of conclusive functional and genetic evidence.

NM_024685.4(BBS10):c.7A>C (p.Ser3Arg)

Gene: BBS10 (Bardet-Biedl syndrome 10; minus strand). Cytogenetic location: 12q21.2.
Variant type: single nucleotide variant.
Coding change: c.7A>C on transcript NM_024685.4 (MANE Select); coding-DNA position 7, A replaced by C.
Protein change: p.Ser3Arg; replaces serine 3 with arginine.
Molecular consequence: missense variant.
Genome position (GRCh38, 1-based): chr12:76,348,352, T>G on the plus strand (A>C on the coding strand, the complement: BBS10 is on the minus strand). VCF-style: chr12-76348352-T-G. GRCh37 (hg19) VCF-style: chr12-76742132-T-G.
Other names: c.7A>C (NM_024685.3); short protein forms S3R.
Identifiers: ClinVar variation 1375630 (VCV001375630.6), dbSNP rs1396450993, ClinGen allele CA385816506.